The following is an entry in ClinVar:

ClinVar aggregate classification (germline): Likely pathogenic (1 of 4 stars; one submission).

Conditions:
Classic homocystinuria. Also called: HOMOCYSTINURIA WITH OR WITHOUT RESPONSE TO PYRIDOXINE; Homocystinuria due to CBS deficiency; Cystathionine beta-synthase deficiency; CBS deficiency; Homocystinuria due to Cystathionine Beta-Synthase Deficiency. Identifiers: Orphanet 394, MedGen C0751202, MONDO:0009352, OMIM 236200.

Submission:

Natera, Inc.
Classification: Likely pathogenic for Homocystinuria due to cystathionine beta-synthase deficiency. Last evaluated: 2024-02-24. Review status: criteria provided, single submitter. Criteria: Natera Variant Classification Schema (03/2026). Collection method: clinical testing. Allele origin: germline.
Comment: The c.1468-1G>C variant in CBS is a canonical splice acceptor site variant predicted to affect pre-mRNA splicing, which may result in an abnormal transcript and altered protein product. This variant is expected to result in nonsense mediated decay, truncation, or a dysfunctional protein product. This variant is rare in the general population with a frequency below the threshold expected for the associated phenotype(s). Given the available evidence, this variant is classified as Likely Pathogenic.

NM_000071.3(CBS):c.1468-1G>C

Gene: CBS (cystathionine beta-synthase; minus strand). Cytogenetic location: 21q22.3.
Variant type: single nucleotide variant.
Coding change: c.1468-1G>C on transcript NM_000071.3 (MANE Select); the canonical splice acceptor site of the intron before coding-DNA position 1468, G replaced by C.
Molecular consequence: splice acceptor variant.
Genome position (GRCh38, 1-based): chr21:43,056,888, C>G on the plus strand (G>C on the coding strand, the complement: CBS is on the minus strand). VCF-style: chr21-43056888-C-G. GRCh37 (hg19) VCF-style: chr21-44476998-C-G.
Other names: c.1468-1G>C (NM_001320298.2, NM_001178009.3, NM_001178008.3); c.1153-1G>C (NM_001321072.1).
Identifiers: ClinVar variation 4816509 (VCV004816509.1).